The following is an entry in ClinVar:

NM_021830.5(TWNK):c.1592+5C>T

Gene: TWNK (twinkle mtDNA helicase; plus strand). Cytogenetic location: 10q24.31.
Variant type: single nucleotide variant.
Coding change: c.1592+5C>T on transcript NM_021830.5 (MANE Select); 5 bases into the intron after coding-DNA position 1592, C replaced by T.
Molecular consequence: intron variant. On other transcripts: non-coding transcript variant (3).
Genome position (GRCh38, 1-based): chr10:100,990,548, C>T. VCF-style: chr10-100990548-C-T. GRCh37 (hg19) VCF-style: chr10-102750305-C-T.
Other names: c.1592+5C>T (NM_001163812.2); c.230+5C>T (NM_001163814.2, NM_001163813.2, NM_001368275.1).
Identifiers: ClinVar variation 1304665 (VCV001304665.7), dbSNP rs1011909627, ClinGen allele CA212963903.

ClinVar aggregate classification (germline): Uncertain significance. Review status: criteria provided, multiple submitters, no conflicts (2 of 4 stars). 2 submissions from 2 submitters: Uncertain significance (2). Last evaluated 2025-06-17.

Allele frequency attached by ClinVar (database versions not stated): gnomAD 0.00001; gnomAD exomes 0.00001 and 0.00002; TOPMed 0.00001.
gnomAD v4.1: 12 of 1,613,862 alleles (0.00074%); highest among the groups gnomAD compares: East Asian, 0.0067%; no homozygotes.

Submissions (2):

Labcorp Genetics (formerly Invitae), Labcorp
Classification: Uncertain significance. Last evaluated: 2025-06-17. Review status: criteria provided, single submitter. Criteria: Invitae Variant Classification Sherloc (09022015). Collection method: clinical testing. Allele origin: germline.
Comment: This sequence change falls in intron 3 of the TWNK gene. It does not directly change the encoded amino acid sequence of the TWNK protein. It affects a nucleotide within the consensus splice site. This variant is present in population databases (no rsID available, gnomAD 0.01%). This variant has not been reported in the literature in individuals affected with TWNK-related conditions. ClinVar contains an entry for this variant (Variation ID: 1304665). Variants that disrupt the consensus splice site are a relatively common cause of aberrant splicing (PMID: 17576681, 9536098). Algorithms developed to predict the effect of sequence changes on RNA splicing suggest that this variant is not likely to affect RNA splicing. In summary, the available evidence is currently insufficient to determine the role of this variant in disease. Therefore, it has been classified as a Variant of Uncertain Significance.

GeneDx
Classification: Uncertain significance. Last evaluated: 2022-03-23. Review status: criteria provided, single submitter. Criteria: GeneDx Variant Classification Process June 2021. Collection method: clinical testing. Allele origin: germline. Affected: yes.
Comment: In silico analysis supports that this variant does not alter splicing; Has not been previously published as pathogenic or benign to our knowledge

Literature cited by the submitters: PubMed 17576681 (cited by Labcorp Genetics (formerly Invitae), Labcorp); PubMed 9536098 (cited by Labcorp Genetics (formerly Invitae), Labcorp).